The following is an entry in ClinVar:

ClinVar aggregate classification (germline): Conflicting classifications of pathogenicity. Review status: criteria provided, conflicting classifications (1 of 4 stars). 3 submissions from 3 submitters: Likely pathogenic (2); Uncertain significance (1). Last evaluated 2024-07-05.

Conditions:
Multiple gastrointestinal atresias. Also called: FAMILIAL INTESTINAL POLYATRESIA SYNDROME; Multiple intestinal atresia. Identifiers: Orphanet 2300, MedGen C0220744, MONDO:0009465.
Gastrointestinal defects and immunodeficiency syndrome 1 (GIDID1). Also called: Combined immunodeficiency-enteropathy spectrum. Identifiers: Orphanet 436252, MedGen C5968858, MONDO:0800030, OMIM 243150.
TTC7A-related disorder. Also called: TTC7A-related condition.

Allele frequency attached by ClinVar (database versions not stated): gnomAD exomes below 0.00001 and 0.00001; TOPMed below 0.00001; gnomAD 0.00001.
gnomAD v4.1: 7 of 1,613,298 alleles (0.00043%); highest among the groups gnomAD compares: Non-Finnish European, 0.00059%; no homozygotes.

Submissions (3):

Aleixo Muise Laboratory, Hospital For Sick Children
Classification: Likely pathogenic for Gastrointestinal defects and immunodeficiency syndrome 1. Last evaluated: 2024-07-05. Review status: criteria provided, single submitter. Criteria: ACMG Guidelines, 2015. Collection method: research. Allele origin: inherited. Affected: yes. Observed: 1 variant allele.
Comment: PM2;PM3;PP3;PP4

Blueprint Genetics
Classification: Likely pathogenic for TTC7A-related disorders. Last evaluated: 2021-11-15. Review status: criteria provided, single submitter. Criteria: ACMG Guidelines, 2015. Collection method: clinical testing. Allele origin: germline. Affected: yes. Observed: 2 variant alleles.

Labcorp Genetics (formerly Invitae), Labcorp
Classification: Uncertain significance for Multiple gastrointestinal atresias. Last evaluated: 2020-09-24. Review status: criteria provided, single submitter. Criteria: Invitae Variant Classification Sherloc (09022015). Collection method: clinical testing. Allele origin: germline.
Comment: This sequence change replaces glycine with aspartic acid at codon 173 of the TTC7A protein (p.Gly173Asp). The glycine residue is highly conserved and there is a moderate physicochemical difference between glycine and aspartic acid. This variant is not present in population databases (ExAC no frequency). This variant has not been reported in the literature in individuals with TTC7A-related conditions. In summary, the available evidence is currently insufficient to determine the role of this variant in disease. Therefore, it has been classified as a Variant of Uncertain Significance. Algorithms developed to predict the effect of missense changes on protein structure and function are either unavailable or do not agree on the potential impact of this missense change (SIFT: "Deleterious"; PolyPhen-2: "Probably Damaging"; Align-GVGD: "Class C0").

NM_020458.4(TTC7A):c.518G>A (p.Gly173Asp)

Genes: TTC7A (tetratricopeptide repeat domain 7A; plus strand), LOC126806211 (CDK7 strongly-dependent group 2 enhancer GRCh37_chr2:47201305-47202504; plus strand). Cytogenetic location: 2p21.
Variant type: single nucleotide variant.
Coding change: c.518G>A on transcript NM_020458.4 (MANE Select); coding-DNA position 518, G replaced by A.
Protein change: p.Gly173Asp; replaces glycine 173 with aspartic acid.
Molecular consequence: missense variant. On other transcripts: 5 prime UTR variant (1).
Genome position (GRCh38, 1-based): chr2:46,974,973, G>A. VCF-style: chr2-46974973-G-A. GRCh37 (hg19) VCF-style: chr2-47202112-G-A.
Other names: c.518G>A, p.Gly173Asp (NM_001288951.2); c.416G>A, p.Gly139Asp (NM_001288953.2); c.-387G>A (NM_001288955.2); short protein forms G139D, G173D.
Identifiers: ClinVar variation 1001463 (VCV001001463.13), dbSNP rs1283566399, ClinGen allele CA346722770.